The following is an entry in ClinVar:

ClinVar aggregate classification (germline): Uncertain significance (1 of 4 stars; one submission).

gnomAD v4.1: 4 of 1,614,198 alleles (0.00025%); highest among the groups gnomAD compares: South Asian, 0.0011%; no homozygotes.

Submission:

GeneDx
Classification: Uncertain significance. Last evaluated: 2024-04-08. Review status: criteria provided, single submitter. Criteria: GeneDx Variant Classification Process June 2021. Collection method: clinical testing. Allele origin: germline. Affected: yes.
Comment: In silico analysis supports that this missense variant has a deleterious effect on protein structure/function; Has not been previously published as pathogenic or benign to our knowledge

NM_002473.6(MYH9):c.3550G>A (p.Glu1184Lys)

Gene: MYH9 (myosin heavy chain 9; minus strand). Cytogenetic location: 22q12.3.
Variant type: single nucleotide variant.
Coding change: c.3550G>A on transcript NM_002473.6 (MANE Select); coding-DNA position 3550, G replaced by A.
Protein change: p.Glu1184Lys; replaces glutamic acid 1184 with lysine.
Molecular consequence: missense variant.
Genome position (GRCh38, 1-based): chr22:36,295,012, C>T on the plus strand (G>A on the coding strand, the complement: MYH9 is on the minus strand). VCF-style: chr22-36295012-C-T. GRCh37 (hg19) VCF-style: chr22-36691058-C-T.
Other names: short protein forms E1184K.
Identifiers: ClinVar variation 3372233 (VCV003372233.1).